The following is an entry in ClinVar:

ClinVar aggregate classification (germline): Uncertain significance. Review status: criteria provided, multiple submitters, no conflicts (2 of 4 stars). 2 submissions from 2 submitters: Uncertain significance (2). Last evaluated 2023-12-14.

Conditions:
Familial thoracic aortic aneurysm and aortic dissection (TAAD). Also called: Thoracic aortic aneurysms and dissections. Identifiers: Orphanet 91387, MedGen C4707243, MONDO:0019625.
Marfan syndrome (MFS). Also called: MARFAN SYNDROME, TYPE I; Marfan syndrome type 1; Marfan's syndrome; Marfan syndrome, classic; FBN1-Related Marfan Syndrome. Identifiers: Orphanet 284963, Orphanet 558, MedGen C0024796, MONDO:0007947, OMIM 154700.

Submissions (2):

Ambry Genetics
Classification: Uncertain significance for Familial thoracic aortic aneurysm and aortic dissection. Last evaluated: 2023-12-14. Review status: criteria provided, single submitter. Criteria: Ambry Variant Classification Scheme 2023. Collection method: clinical testing. Allele origin: germline.
Comment: The p.N2533K variant (also known as c.7599T>A), located in coding exon 61 of the FBN1 gene, results from a T to A substitution at nucleotide position 7599. The asparagine at codon 2533 is replaced by lysine, an amino acid with similar properties. This amino acid position is well conserved in available vertebrate species. In addition, this alteration is predicted to be tolerated by in silico analysis. Since supporting evidence is limited at this time, the clinical significance of this alteration remains unclear.

Labcorp Genetics (formerly Invitae), Labcorp
Classification: Uncertain significance for Marfan syndrome; Familial thoracic aortic aneurysm and aortic dissection. Last evaluated: 2023-12-02. Review status: criteria provided, single submitter. Criteria: Invitae Variant Classification Sherloc (09022015). Collection method: clinical testing. Allele origin: germline.
Comment: This sequence change replaces asparagine, which is neutral and polar, with lysine, which is basic and polar, at codon 2533 of the FBN1 protein (p.Asn2533Lys). This variant is not present in population databases (gnomAD no frequency). This variant has not been reported in the literature in individuals affected with FBN1-related conditions. Advanced modeling of protein sequence and biophysical properties (such as structural, functional, and spatial information, amino acid conservation, physicochemical variation, residue mobility, and thermodynamic stability) has been performed at Invitae for this missense variant, however the output from this modeling did not meet the statistical confidence thresholds required to predict the impact of this variant on FBN1 protein function. In summary, the available evidence is currently insufficient to determine the role of this variant in disease. Therefore, it has been classified as a Variant of Uncertain Significance.

NM_000138.5(FBN1):c.7599T>A (p.Asn2533Lys)

Gene: FBN1 (fibrillin 1; minus strand). Cytogenetic location: 15q21.1.
Variant type: single nucleotide variant.
Coding change: c.7599T>A on transcript NM_000138.5 (MANE Select); coding-DNA position 7599, T replaced by A.
Protein change: p.Asn2533Lys; replaces asparagine 2533 with lysine.
Molecular consequence: missense variant.
Genome position (GRCh38, 1-based): chr15:48,421,658, A>T on the plus strand (T>A on the coding strand, the complement: FBN1 is on the minus strand). VCF-style: chr15-48421658-A-T. GRCh37 (hg19) VCF-style: chr15-48713855-A-T.
Other names: c.7599T>A, p.Asn2533Lys (NM_001406716.1); short protein forms N2533K.
Identifiers: ClinVar variation 2954373 (VCV002954373.4), dbSNP rs763537015, ClinGen allele CA392325748.